The following is an entry in ClinVar:

ClinVar aggregate classification (germline): Uncertain significance. Review status: criteria provided, multiple submitters, no conflicts (2 of 4 stars). 3 submissions from 3 submitters: Uncertain significance (3). Last evaluated 2025-09-02.

Conditions:
Inborn genetic diseases. Identifiers: MedGen C0950123, MeSH D030342.
LRP2-related disorder. Also called: LRP2-related condition.

Allele frequency attached by ClinVar (database versions not stated): gnomAD exomes below 0.00001 and 0.00001.
gnomAD v4.1: 3 of 1,614,146 alleles (0.00019%); highest among the groups gnomAD compares: Admixed American, 0.0033%; no homozygotes.

Submissions (3):

PreventionGenetics, part of Exact Sciences
Classification: Uncertain significance for LRP2-related condition. Last evaluated: 2025-09-02. Review status: criteria provided, single submitter. Criteria: ACMG Guidelines, 2015. Collection method: clinical testing. Allele origin: germline.
Comment: The LRP2 c.2882A>G variant is predicted to result in the amino acid substitution p.Lys961Arg. To our knowledge, this variant has not been reported in the literature. This variant is reported in 0.0058% of alleles in individuals of Latino descent in gnomAD. At this time, the clinical significance of this variant is uncertain due to the absence of conclusive functional and genetic evidence.

Labcorp Genetics (formerly Invitae), Labcorp
Classification: Uncertain significance. Last evaluated: 2023-08-30. Review status: criteria provided, single submitter. Criteria: Invitae Variant Classification Sherloc (09022015). Collection method: clinical testing. Allele origin: germline.
Comment: In summary, the available evidence is currently insufficient to determine the role of this variant in disease. Therefore, it has been classified as a Variant of Uncertain Significance. Advanced modeling of protein sequence and biophysical properties (such as structural, functional, and spatial information, amino acid conservation, physicochemical variation, residue mobility, and thermodynamic stability) performed at Invitae indicates that this missense variant is not expected to disrupt LRP2 protein function. ClinVar contains an entry for this variant (Variation ID: 1449724). This variant has not been reported in the literature in individuals affected with LRP2-related conditions. This variant is present in population databases (no rsID available, gnomAD 0.006%). This sequence change replaces lysine, which is basic and polar, with arginine, which is basic and polar, at codon 961 of the LRP2 protein (p.Lys961Arg).

Ambry Genetics
Classification: Uncertain significance for Inborn genetic diseases. Last evaluated: 2022-06-29. Review status: criteria provided, single submitter. Criteria: Ambry Variant Classification Scheme 2023. Collection method: clinical testing. Allele origin: germline.

NM_004525.3(LRP2):c.2882A>G (p.Lys961Arg)

Gene: LRP2 (LDL receptor related protein 2; minus strand). Cytogenetic location: 2q31.1.
Variant type: single nucleotide variant.
Coding change: c.2882A>G on transcript NM_004525.3 (MANE Select); coding-DNA position 2882, A replaced by G.
Protein change: p.Lys961Arg; replaces lysine 961 with arginine.
Molecular consequence: missense variant.
Genome position (GRCh38, 1-based): chr2:169,247,404, T>C on the plus strand (A>G on the coding strand, the complement: LRP2 is on the minus strand). VCF-style: chr2-169247404-T-C. GRCh37 (hg19) VCF-style: chr2-170103914-T-C.
Other names: c.2882A>G (NM_004525.2); short protein forms K961R.
Identifiers: ClinVar variation 1449724 (VCV001449724.10), dbSNP rs1259447642, ClinGen allele CA349154018.